The following is an entry in ClinVar:

ClinVar aggregate classification (germline): Uncertain significance (1 of 4 stars; one submission).

Submission:

GeneDx
Classification: Uncertain significance. Last evaluated: 2026-04-16. Review status: criteria provided, single submitter. Criteria: GeneDx Variant Classification Process June 2021. Collection method: clinical testing. Allele origin: germline.
Comment: Not observed at significant frequency in large population cohorts (gnomAD); In silico analysis supports that this missense variant has a deleterious effect on protein structure/function; Has not been previously published as pathogenic or benign to our knowledge

NM_007144.3(PCGF2):c.1003G>C (p.Val335Leu)

Genes: CISD3 (CDGSH iron sulfur domain 3; plus strand), PCGF2 (polycomb group ring finger 2; minus strand). Cytogenetic location: 17q12.
Variant type: single nucleotide variant.
Coding change: c.1003G>C on transcript NM_007144.3 (MANE Select); coding-DNA position 1003, G replaced by C.
Protein change: p.Val335Leu; replaces valine 335 with leucine.
Molecular consequence: missense variant. On other transcripts: 3 prime UTR variant (1).
Genome position (GRCh38, 1-based): chr17:38,735,255, C>G on the plus strand (G>C on the coding strand, the complement: PCGF2 is on the minus strand). VCF-style: chr17-38735255-C-G. GRCh37 (hg19) VCF-style: chr17-36891508-C-G.
Other names: c.*1800C>G (NM_001136498.2); c.1003G>C, p.Val335Leu (NM_001369614.1, NM_001369615.1); short protein forms V335L.
Identifiers: ClinVar variation 5036994 (VCV005036994.1).